The following is an entry in ClinVar:

NM_000018.4(ACADVL):c.1818G>C (p.Trp606Cys)

Gene: ACADVL (acyl-CoA dehydrogenase very long chain; plus strand). Cytogenetic location: 17p13.1.
Variant type: single nucleotide variant.
Coding change: c.1818G>C on transcript NM_000018.4 (MANE Select); coding-DNA position 1818, G replaced by C.
Protein change: p.Trp606Cys; replaces tryptophan 606 with cysteine.
Molecular consequence: missense variant.
Genome position (GRCh38, 1-based): chr17:7,224,875, G>C. VCF-style: chr17-7224875-G-C. GRCh37 (hg19) VCF-style: chr17-7128194-G-C.
Other names: c.1752G>C, p.Trp584Cys (NM_001033859.3); c.1887G>C, p.Trp629Cys (NM_001270447.2); c.1590G>C, p.Trp530Cys (NM_001270448.2); short protein forms W629C, W530C, W584C, W606C.
Identifiers: ClinVar variation 3688136 (VCV003688136.2).

ClinVar aggregate classification (germline): Likely pathogenic (1 of 4 stars; one submission).

Conditions:
Very long chain acyl-CoA dehydrogenase deficiency (ACADVLD). Also called: Very Long-Chain Acyl-Coenzyme A Dehydrogenase Deficiency; VLCAD Deficiency. Identifiers: Orphanet 26793, MedGen C3887523, MONDO:0008723, OMIM 201475.

Submission:

Labcorp Genetics (formerly Invitae), Labcorp
Classification: Likely pathogenic for Very long chain acyl-CoA dehydrogenase deficiency. Last evaluated: 2025-03-14. Review status: criteria provided, single submitter. Criteria: Invitae Variant Classification Sherloc (09022015). Collection method: clinical testing. Allele origin: germline.
Comment: This sequence change replaces tryptophan, which is neutral and slightly polar, with cysteine, which is neutral and slightly polar, at codon 606 of the ACADVL protein (p.Trp606Cys). This variant is not present in population databases (gnomAD no frequency). This variant has not been reported in the literature in individuals affected with ACADVL-related conditions. Invitae Evidence Modeling of protein sequence and biophysical properties (such as structural, functional, and spatial information, amino acid conservation, physicochemical variation, residue mobility, and thermodynamic stability) has been performed for this missense variant. However, the output from this modeling did not meet the statistical confidence thresholds required to predict the impact of this variant on ACADVL protein function. This variant disrupts the p.Trp606 amino acid residue in ACADVL. Other variant(s) that disrupt this residue have been determined to be pathogenic (PMID: 35281659). This suggests that this residue is clinically significant, and that variants that disrupt this residue are likely to be disease-causing. In summary, the currently available evidence indicates that the variant is pathogenic, but additional data are needed to prove that conclusively. Therefore, this variant has been classified as Likely Pathogenic.

Literature cited by the submitters: PubMed 35281659.